The following is an entry in ClinVar:

NM_032444.4(SLX4):c.4739+90C>G

Gene: SLX4 (SLX4 structure-specific endonuclease subunit; minus strand). Cytogenetic location: 16p13.3.
Variant type: single nucleotide variant.
Coding change: c.4739+90C>G on transcript NM_032444.4 (MANE Select); 90 bases into the intron after coding-DNA position 4739, C replaced by G.
Molecular consequence: intron variant.
Genome position (GRCh38, 1-based): chr16:3,584,679, G>C on the plus strand (C>G on the coding strand, the complement: SLX4 is on the minus strand). VCF-style: chr16-3584679-G-C. GRCh37 (hg19) VCF-style: chr16-3634680-G-C.
Identifiers: ClinVar variation 929615 (VCV000929615.1), dbSNP rs2040487330, ClinGen allele CA1139664446.
Genomic context (GRCh38, chr16:3,584,679, plus strand): 5'-CTGCAGACCTTTCTTCCCAAGCCCAGGCCAGCTGCATCCACCAGACCCAGAGACCACACG[G>C]GGGGCCCTTCCGCCCCCAGGTGTGTGAAACCCAGTTACTTATGGGAGGGAAAAGACCACT-3'

ClinVar aggregate classification (germline): Likely benign (0 of 4 stars; one submission).

Submission:

Leiden Open Variation Database
Classification: Likely benign. Last evaluated: 2012-08-31. Review status: no assertion criteria provided. Collection method: curation. Allele origin: germline. Affected: yes.
Comment: Curator: Arleen D. Auerbach. Submitter to LOVD: Janine Bakker.

Literature cited by the submitters: PubMed 22911665.